The following is an entry in ClinVar:

ClinVar aggregate classification (germline): Uncertain significance (1 of 4 stars; one submission).

Conditions:
Inborn genetic diseases. Identifiers: MedGen C0950123, MeSH D030342.

Submission:

Ambry Genetics
Classification: Uncertain significance for Inborn genetic diseases. Last evaluated: 2025-12-09. Review status: criteria provided, single submitter. Criteria: Ambry Variant Classification Scheme 2023. Collection method: clinical testing. Allele origin: germline.
Comment: The c.227C>T (p.T76I) alteration is located in exon 3 (coding exon 2) of the SPTBN1 gene. This alteration results from a C to T substitution at nucleotide position 227, causing the threonine (T) at amino acid position 76 to be replaced by an isoleucine (I). Based on data from gnomAD, the T allele has an overall frequency of <0.001% (1/251464) total alleles studied. The highest observed frequency was 0.006% (1/16256) of African alleles. Based on insufficient or conflicting evidence, the clinical significance of this alteration remains unclear.

NM_003128.3(SPTBN1):c.227C>T (p.Thr76Ile)

Gene: SPTBN1 (spectrin beta, non-erythrocytic 1; plus strand). Cytogenetic location: 2p16.2.
Variant type: single nucleotide variant.
Coding change: c.227C>T on transcript NM_003128.3 (MANE Select); coding-DNA position 227, C replaced by T.
Protein change: p.Thr76Ile; replaces threonine 76 with isoleucine.
Molecular consequence: missense variant.
Genome position (GRCh38, 1-based): chr2:54,599,170, C>T. VCF-style: chr2-54599170-C-T. GRCh37 (hg19) VCF-style: chr2-54826307-C-T.
Other names: c.188C>T, p.Thr63Ile (NM_178313.3); short protein forms T63I, T76I.
Identifiers: ClinVar variation 4632143 (VCV004632143.1).
Genomic context (GRCh38, chr2:54,599,170, plus strand): 5'-AGAAGAAGACCTTCACCAAGTGGGTCAATTCCCACCTTGCCCGTGTGTCCTGCCGGATCA[C>T]AGACCTGTACACTGACCTTCGAGATGGACGGATGCTCATCAAGCTGCTGGAGGTCCTCTC-3'
Protein context (NP_003119.2, residues 66-86): SHLARVSCRI[Thr76Ile]DLYTDLRDGR